The following is an entry in ClinVar:

ClinVar aggregate classification (germline): Uncertain significance. Review status: criteria provided, multiple submitters, no conflicts (2 of 4 stars). 3 submissions from 3 submitters: Uncertain significance (2). 1 of the submissions does not count toward it. Last evaluated 2025-05-30.

Conditions:
OTOF-related disorder. Also called: OTOF-related condition.

Submissions (3):

GeneDx
Classification: Uncertain significance. Last evaluated: 2025-05-30. Review status: criteria provided, single submitter. Criteria: GeneDx Variant Classification Process June 2021. Collection method: clinical testing. Allele origin: germline. Affected: yes.
Comment: Not observed at significant frequency in large population cohorts (gnomAD); In silico analysis supports that this missense variant has a deleterious effect on protein structure/function; Has not been previously published as pathogenic or benign to our knowledge

Labcorp Genetics (formerly Invitae), Labcorp
Classification: Uncertain significance. Last evaluated: 2024-03-27. Review status: criteria provided, single submitter. Criteria: Invitae Variant Classification Sherloc (09022015). Collection method: clinical testing. Allele origin: germline.
Comment: This sequence change replaces alanine, which is neutral and non-polar, with valine, which is neutral and non-polar, at codon 1927 of the OTOF protein (p.Ala1927Val). This variant is not present in population databases (gnomAD no frequency). This variant has not been reported in the literature in individuals affected with OTOF-related conditions. Advanced modeling of protein sequence and biophysical properties (such as structural, functional, and spatial information, amino acid conservation, physicochemical variation, residue mobility, and thermodynamic stability) has been performed at Invitae for this missense variant, however the output from this modeling did not meet the statistical confidence thresholds required to predict the impact of this variant on OTOF protein function. In summary, the available evidence is currently insufficient to determine the role of this variant in disease. Therefore, it has been classified as a Variant of Uncertain Significance.

PreventionGenetics, part of Exact Sciences
Classification: Uncertain significance for OTOF-related condition. Last evaluated: 2024-03-25. Review status: no assertion criteria provided. Collection method: clinical testing. Allele origin: germline. Not counted in ClinVar's aggregate classification.
Comment: The OTOF c.5780C>T variant is predicted to result in the amino acid substitution p.Ala1927Val. To our knowledge, this variant has not been reported in the literature or in a large population database, indicating this variant is rare. At this time, the clinical significance of this variant is uncertain due to the absence of conclusive functional and genetic evidence.

NM_194248.3(OTOF):c.5780C>T (p.Ala1927Val)

Gene: OTOF (otoferlin; minus strand). Cytogenetic location: 2p23.3.
Variant type: single nucleotide variant.
Coding change: c.5780C>T on transcript NM_194248.3 (MANE Select); coding-DNA position 5780, C replaced by T.
Protein change: p.Ala1927Val; replaces alanine 1927 with valine.
Molecular consequence: missense variant.
Genome position (GRCh38, 1-based): chr2:26,460,680, G>A on the plus strand (C>T on the coding strand, the complement: OTOF is on the minus strand). VCF-style: chr2-26460680-G-A. GRCh37 (hg19) VCF-style: chr2-26683548-G-A.
Other names: c.5780C>T, p.Ala1927Val (NM_001287489.2); c.3479C>T, p.Ala1160Val (NM_004802.4, NM_194323.3); c.3710C>T, p.Ala1237Val (NM_194322.3); short protein forms A1160V, A1237V, A1927V.
Identifiers: ClinVar variation 3054158 (VCV003054158.4), dbSNP rs2465490325, ClinGen allele CA346128411.